The following is an entry in ClinVar:

ClinVar aggregate classification (germline): Benign/Likely benign. Review status: criteria provided, multiple submitters, no conflicts (2 of 4 stars). 9 submissions from 9 submitters: Benign (1); Likely benign (6). 2 of the submissions do not count toward it. Last evaluated 2026-01-14.

Conditions:
Hereditary breast ovarian cancer syndrome. Also called: Breast and ovarian cancer; Hereditary breast and ovarian cancer; Hereditary breast and ovarian cancer syndrome; BRCA1- and BRCA2-Associated Hereditary Breast and Ovarian Cancer; Hereditary breast and ovarian cancer syndrome (HBOC); Hereditary breast and/or ovarian cancer syndrome. Identifiers: Orphanet 145, MedGen C0677776, MeSH D061325, MONDO:0003582. Disease mechanism: loss of function.
BRCA2-related disorder. Also called: BRCA2-related condition; BRCA2-related disorders. Identifiers: MedGen CN239275.
Hereditary cancer-predisposing syndrome. Also called: Tumor predisposition; Hereditary Cancer Syndrome; Neoplastic Syndromes, Hereditary; Hereditary neoplastic syndrome. Identifiers: Orphanet 140162, MedGen C0027672, MeSH D009386, MONDO:0015356.
Breast-ovarian cancer, familial, susceptibility to, 2 (BROVCA2). Also called: BRCA2 Hereditary Breast and Ovarian Cancer. Identifiers: Orphanet 145, MedGen C2675520, MONDO:0012933, OMIM 612555. Disease mechanism: loss of function.

Allele frequency attached by ClinVar (database versions not stated): gnomAD 0.00001; gnomAD exomes 0.00005 and 0.00009; TOPMed 0.00006; ExAC 0.00007.
gnomAD v4.1: 30 of 1,614,090 alleles (0.0019%); highest among the groups gnomAD compares: Admixed American, 0.05%; no homozygotes.

Submissions (9):

Labcorp Genetics (formerly Invitae), Labcorp
Classification: Likely benign for Hereditary breast ovarian cancer syndrome. Last evaluated: 2026-01-14. Review status: criteria provided, single submitter. Criteria: Invitae Variant Classification Sherloc (09022015). Collection method: clinical testing. Allele origin: germline.

Women's Health and Genetics/Laboratory Corporation of America, LabCorp
Classification: Likely benign. Last evaluated: 2025-07-28. Review status: criteria provided, single submitter. Criteria: LabCorp Variant Classification Summary - May 2015. Collection method: clinical testing. Allele origin: germline.
Comment: Variant summary: BRCA2 c.1141G>A (p.Asp381Asn) results in a conservative amino acid change in the encoded protein sequence. Four of five in-silico tools predict a benign effect of the variant on protein function. The variant allele was found at a frequency of 9.2e-05 in 250182 control chromosomes, predominantly at a frequency of 0.00067 within the Latino subpopulation in the gnomAD database. This frequency is not significantly higher than estimated for a pathogenic variant in BRCA2 causing Hereditary Breast And Ovarian Cancer Syndrome (9.2e-05 vs 0.00075), allowing no conclusion about variant significance. c.1141G>A has been observed in at-least one individual affected with breast cancer (Lindor_2013). It has also been reported in at-least one individual with ovarian cancer, however the authors concluded it was not causative (Zhang_2023). These reports do not provide unequivocal conclusions about association of the variant with Hereditary Breast And Ovarian Cancer Syndrome. To our knowledge, no experimental evidence demonstrating an impact on protein function has been reported. The following publications have been ascertained in the context of this evaluation (PMID: 23615697, 37970354). ClinVar contains an entry for this variant (Variation ID: 91747). Based on the evidence outlined above, the variant was classified as likely benign.

Quest Diagnostics Nichols Institute San Juan Capistrano
Classification: Likely benign. Last evaluated: 2023-09-06. Review status: criteria provided, single submitter. Criteria: Quest Diagnostics criteria. Collection method: clinical testing. Allele origin: unknown.

ARUP Laboratories, Molecular Genetics and Genomics, ARUP Laboratories
Classification: Likely benign. Last evaluated: 2021-04-24. Review status: criteria provided, single submitter. Criteria: ARUP Molecular Germline Variant Investigation Process 2021. Collection method: clinical testing. Allele origin: germline.

GeneDx
Classification: Likely benign. Last evaluated: 2021-03-12. Review status: criteria provided, single submitter. Criteria: GeneDx Variant Classification Process June 2021. Collection method: clinical testing. Allele origin: germline. Affected: yes.
Comment: This variant is associated with the following publications: (PMID: 23615697)

Ambry Genetics
Classification: Likely benign for Hereditary cancer-predisposing syndrome. Last evaluated: 2018-11-01. Review status: criteria provided, single submitter. Criteria: Ambry Variant Classification Scheme 2023. Collection method: clinical testing. Allele origin: germline.

Color Diagnostics, LLC DBA Color Health
Classification: Benign for Hereditary cancer-predisposing syndrome. Last evaluated: 2016-01-19. Review status: criteria provided, single submitter. Criteria: ACMG Guidelines, 2015. Collection method: clinical testing. Allele origin: germline.

PreventionGenetics, part of Exact Sciences
Classification: Likely benign for BRCA2-related condition. Last evaluated: 2019-03-04. Review status: no assertion criteria provided. Collection method: clinical testing. Allele origin: germline. Not counted in ClinVar's aggregate classification.
Comment: This variant is classified as likely benign based on ACMG/AMP sequence variant interpretation guidelines (Richards et al. 2015 PMID: 25741868, with internal and published modifications).

Sharing Clinical Reports Project (SCRP)
Classification: Likely benign for Breast-ovarian cancer, familial 2. Last evaluated: 2012-04-24. Review status: no assertion criteria provided. Collection method: clinical testing. Allele origin: germline. Not counted in ClinVar's aggregate classification.

Literature cited by the submitters: PubMed 23615697 (cited by Women's Health and Genetics/Laboratory Corporation of America, LabCorp and Quest Diagnostics Nichols Institute San Juan Capistrano); PubMed 37970354 (cited by Women's Health and Genetics/Laboratory Corporation of America, LabCorp).

NM_000059.4(BRCA2):c.1141G>A (p.Asp381Asn)

Gene: BRCA2 (BRCA2 DNA repair associated; plus strand). Cytogenetic location: 13q13.1.
Variant type: single nucleotide variant.
Coding change: c.1141G>A on transcript NM_000059.4 (MANE Select); coding-DNA position 1141, G replaced by A.
Protein change: p.Asp381Asn; replaces aspartic acid 381 with asparagine.
Molecular consequence: missense variant.
Genome position (GRCh38, 1-based): chr13:32,332,619, G>A. VCF-style: chr13-32332619-G-A. GRCh37 (hg19) VCF-style: chr13-32906756-G-A.
Other names: p.D381N:GAC>AAC; 1369G>A; short protein forms D381N.
Identifiers: ClinVar variation 91747 (VCV000091747.34), dbSNP rs398122723, ClinGen allele CA010924.